The following is an entry in ClinVar:

NM_004606.5(TAF1):c.1178A>G (p.Asn393Ser)

Gene: TAF1 (TATA-box binding protein associated factor 1; plus strand). Cytogenetic location: Xq13.1.
Variant type: single nucleotide variant.
Coding change: c.1178A>G on transcript NM_004606.5 (MANE Select); coding-DNA position 1178, A replaced by G.
Protein change: p.Asn393Ser; replaces asparagine 393 with serine.
Molecular consequence: missense variant. On other transcripts: non-coding transcript variant (9).
Genome position (GRCh38, 1-based): chrX:71,378,849, A>G. VCF-style: chrX-71378849-A-G. GRCh37 (hg19) VCF-style: chrX-70598699-A-G.
Other names: c.1178A>G, p.Asn393Ser (NM_001286074.2); c.1115A>G, p.Asn372Ser (NM_138923.4); c.1238A>G (NM_001286074.1); short protein forms N393S, N372S.
Identifiers: ClinVar variation 2188271 (VCV002188271.5), dbSNP rs1172692547, ClinGen allele CA413509998.

ClinVar aggregate classification (germline): Uncertain significance. Review status: criteria provided, single submitter (1 of 4 stars). 2 submissions from 2 submitters: Uncertain significance (1). 1 of the submissions does not count toward it. Last evaluated 2022-08-31.

Conditions:
TAF1-related disorder. Also called: TAF1-related condition.

Submissions (2):

Labcorp Genetics (formerly Invitae), Labcorp
Classification: Uncertain significance. Last evaluated: 2022-08-31. Review status: criteria provided, single submitter. Criteria: Invitae Variant Classification Sherloc (09022015). Collection method: clinical testing. Allele origin: germline.
Comment: In summary, the available evidence is currently insufficient to determine the role of this variant in disease. Therefore, it has been classified as a Variant of Uncertain Significance. This sequence change replaces asparagine, which is neutral and polar, with serine, which is neutral and polar, at codon 413 of the TAF1 protein (p.Asn413Ser). This variant is present in population databases (no rsID available, gnomAD 0.006%). This variant has not been reported in the literature in individuals affected with TAF1-related conditions. Advanced modeling of protein sequence and biophysical properties (such as structural, functional, and spatial information, amino acid conservation, physicochemical variation, residue mobility, and thermodynamic stability) performed at Invitae indicates that this missense variant is not expected to disrupt TAF1 protein function.

PreventionGenetics, part of Exact Sciences
Classification: Uncertain significance for TAF1-related condition. Last evaluated: 2024-09-21. Review status: no assertion criteria provided. Collection method: clinical testing. Allele origin: germline. Not counted in ClinVar's aggregate classification.
Comment: The TAF1 c.1238A>G variant is predicted to result in the amino acid substitution p.Asn413Ser. To our knowledge, this variant has not been reported in the literature. This variant is reported in 0.0062% of alleles in individuals of European (Finnish) descent in gnomAD. At this time, the clinical significance of this variant is uncertain due to the absence of conclusive functional and genetic evidence.